The following is an entry in ClinVar:

NM_000088.4(COL1A1):c.4066C>T (p.Arg1356Cys)

Gene: COL1A1 (collagen type I alpha 1 chain; minus strand). Cytogenetic location: 17q21.33.
Variant type: single nucleotide variant.
Coding change: c.4066C>T on transcript NM_000088.4 (MANE Select); coding-DNA position 4066, C replaced by T.
Protein change: p.Arg1356Cys; replaces arginine 1356 with cysteine.
Molecular consequence: missense variant.
Genome position (GRCh38, 1-based): chr17:50,185,960, G>A on the plus strand (C>T on the coding strand, the complement: COL1A1 is on the minus strand). VCF-style: chr17-50185960-G-A. GRCh37 (hg19) VCF-style: chr17-48263321-G-A.
Other names: c.4066C>T (NM_000088.3); short protein forms R1356C.
Identifiers: ClinVar variation 1433447 (VCV001433447.8), dbSNP rs1341595487, ClinGen allele CA400192513.

ClinVar aggregate classification (germline): Uncertain significance. Review status: criteria provided, multiple submitters, no conflicts (2 of 4 stars). 3 submissions from 3 submitters: Uncertain significance (3). Last evaluated 2025-04-18.

Conditions:
Osteogenesis imperfecta type I (OI1). Also called: Classic Non-deforming Osteogenesis Imperfecta with Blue Sclerae; Lobstein's Disease; Lobstein disease; OI, TYPE I; OSTEOGENESIS IMPERFECTA TARDA; OSTEOGENESIS IMPERFECTA WITH BLUE SCLERAE. Identifiers: Orphanet 216796, Orphanet 666, MedGen C0023931, MONDO:0008146, OMIM 166200. Disease mechanism: loss of function.

Allele frequency attached by ClinVar (database versions not stated): gnomAD exomes 0.00001; gnomAD 0.00003; TOPMed 0.00003.
gnomAD v4.1: 12 of 1,613,852 alleles (0.00074%); highest among the groups gnomAD compares: Admixed American, 0.0017%; no homozygotes.

Submissions (3):

Labcorp Genetics (formerly Invitae), Labcorp
Classification: Uncertain significance for Osteogenesis imperfecta type I. Last evaluated: 2025-04-18. Review status: criteria provided, single submitter. Criteria: Invitae Variant Classification Sherloc (09022015). Collection method: clinical testing. Allele origin: germline.
Comment: This sequence change replaces arginine, which is basic and polar, with cysteine, which is neutral and slightly polar, at codon 1356 of the COL1A1 protein (p.Arg1356Cys). This variant is not present in population databases (gnomAD no frequency). This variant has not been reported in the literature in individuals affected with COL1A1-related conditions. ClinVar contains an entry for this variant (Variation ID: 1433447). Invitae Evidence Modeling of protein sequence and biophysical properties (such as structural, functional, and spatial information, amino acid conservation, physicochemical variation, residue mobility, and thermodynamic stability) indicates that this missense variant is expected to disrupt COL1A1 protein function with a positive predictive value of 95%. In summary, the available evidence is currently insufficient to determine the role of this variant in disease. Therefore, it has been classified as a Variant of Uncertain Significance.

GeneDx
Classification: Uncertain significance. Last evaluated: 2024-02-28. Review status: criteria provided, single submitter. Criteria: GeneDx Variant Classification Process June 2021. Collection method: clinical testing. Allele origin: germline. Affected: yes.
Comment: Not observed at significant frequency in large population cohorts (gnomAD); In silico analysis supports that this missense variant has a deleterious effect on protein structure/function; Has not been previously published as pathogenic or benign to our knowledge

Baylor Genetics
Classification: Uncertain significance for Osteogenesis imperfecta type I. Last evaluated: 2023-07-01. Review status: criteria provided, single submitter. Criteria: ACMG Guidelines, 2015. Collection method: clinical testing. Allele origin: unknown.